The following is an entry in ClinVar:

ClinVar aggregate classification (germline): Uncertain significance. Review status: criteria provided, multiple submitters, no conflicts (2 of 4 stars). 2 submissions from 2 submitters: Uncertain significance (2). Last evaluated 2023-04-17.

Conditions:
Hereditary cancer-predisposing syndrome. Also called: Hereditary Cancer Syndrome; Hereditary neoplastic syndrome; Neoplastic Syndromes, Hereditary; Tumor predisposition. Identifiers: Orphanet 140162, MedGen C0027672, MeSH D009386, MONDO:0015356.

gnomAD v4.1: 4 of 1,612,776 alleles (0.00025%); highest among the groups gnomAD compares: Non-Finnish European, 0.00034%; no homozygotes.

Submissions (2):

Labcorp Genetics (formerly Invitae), Labcorp
Classification: Uncertain significance. Last evaluated: 2023-04-17. Review status: criteria provided, single submitter. Criteria: Invitae Variant Classification Sherloc (09022015). Collection method: clinical testing. Allele origin: germline.
Comment: In summary, the available evidence is currently insufficient to determine the role of this variant in disease. Therefore, it has been classified as a Variant of Uncertain Significance. Advanced modeling of protein sequence and biophysical properties (such as structural, functional, and spatial information, amino acid conservation, physicochemical variation, residue mobility, and thermodynamic stability) performed at Invitae indicates that this missense variant is not expected to disrupt POLE protein function. ClinVar contains an entry for this variant (Variation ID: 1741985). This variant has not been reported in the literature in individuals affected with POLE-related conditions. This variant is present in population databases (rs758489411, gnomAD 0.003%). This sequence change replaces proline, which is neutral and non-polar, with threonine, which is neutral and polar, at codon 1543 of the POLE protein (p.Pro1543Thr).

Ambry Genetics
Classification: Uncertain significance for Hereditary cancer-predisposing syndrome. Last evaluated: 2021-12-05. Review status: criteria provided, single submitter. Criteria: Ambry Variant Classification Scheme 2023. Collection method: clinical testing. Allele origin: germline.
Comment: The p.P1543T variant (also known as c.4627C>A), located in coding exon 36 of the POLE gene, results from a C to A substitution at nucleotide position 4627. The proline at codon 1543 is replaced by threonine, an amino acid with highly similar properties. This amino acid position is conserved. In addition, this alteration is predicted to be tolerated by in silico analysis. Since supporting evidence is limited at this time, the clinical significance of this alteration remains unclear.

NM_006231.4(POLE):c.4627C>A (p.Pro1543Thr)

Gene: POLE (DNA polymerase epsilon, catalytic subunit; minus strand). Cytogenetic location: 12q24.33.
Variant type: single nucleotide variant.
Coding change: c.4627C>A on transcript NM_006231.4 (MANE Select); coding-DNA position 4627, C replaced by A.
Protein change: p.Pro1543Thr; replaces proline 1543 with threonine.
Molecular consequence: missense variant.
Genome position (GRCh38, 1-based): chr12:132,642,921, G>T on the plus strand (C>A on the coding strand, the complement: POLE is on the minus strand). VCF-style: chr12-132642921-G-T. GRCh37 (hg19) VCF-style: chr12-133219507-G-T.
Other names: short protein forms P1543T.
Identifiers: ClinVar variation 1741985 (VCV001741985.7), dbSNP rs758489411, ClinGen allele CA6892761.